The following is an entry in ClinVar:

NM_177438.3(DICER1):c.5702A>T (p.Lys1901Ile)

Gene: DICER1 (dicer 1, ribonuclease III; minus strand). Cytogenetic location: 14q32.13.
Variant type: single nucleotide variant.
Coding change: c.5702A>T on transcript NM_177438.3 (MANE Select); coding-DNA position 5702, A replaced by T.
Protein change: p.Lys1901Ile; replaces lysine 1901 with isoleucine.
Molecular consequence: missense variant. On other transcripts: 3 prime UTR variant (1), non-coding transcript variant (6).
Genome position (GRCh38, 1-based): chr14:95,090,565, T>A on the plus strand (A>T on the coding strand, the complement: DICER1 is on the minus strand). VCF-style: chr14-95090565-T-A. GRCh37 (hg19) VCF-style: chr14-95556902-T-A.
Other names: c.*49A>T (NM_001195573.1); c.5702A>T, p.Lys1901Ile (NM_001271282.3, NM_001291628.2, NM_001395677.1 and 8 more transcripts); c.5420A>T, p.Lys1807Ile (NM_001395686.1); c.5297A>T, p.Lys1766Ile (NM_001395687.1, NM_001395688.1, NM_001395689.1 and 1 more transcripts); c.5135A>T, p.Lys1712Ile (NM_001395691.1); c.4019A>T, p.Lys1340Ile (NM_001395697.1); short protein forms K1340I, K1901I, K1807I, K1712I, K1766I.
Identifiers: ClinVar variation 1749182 (VCV001749182.2), dbSNP rs2542390617, ClinGen allele CA390863158.

ClinVar aggregate classification (germline): Uncertain significance (1 of 4 stars; one submission).

Conditions:
Hereditary cancer-predisposing syndrome. Also called: Hereditary Cancer Syndrome; Hereditary neoplastic syndrome; Neoplastic Syndromes, Hereditary; Tumor predisposition. Identifiers: Orphanet 140162, MedGen C0027672, MeSH D009386, MONDO:0015356.

Submission:

Ambry Genetics
Classification: Uncertain significance for Hereditary cancer-predisposing syndrome. Last evaluated: 2022-06-29. Review status: criteria provided, single submitter. Criteria: Ambry Variant Classification Scheme 2023. Collection method: clinical testing. Allele origin: germline.
Comment: The p.K1901I variant (also known as c.5702A>T), located in coding exon 26 of the DICER1 gene, results from an A to T substitution at nucleotide position 5702. The lysine at codon 1901 is replaced by isoleucine, an amino acid with dissimilar properties. This amino acid position is conserved. In addition, this alteration is predicted to be deleterious by in silico analysis. Since supporting evidence is limited at this time, the clinical significance of this alteration remains unclear.